The following is an entry in ClinVar:

NM_024334.3(TMEM43):c.77T>C (p.Leu26Pro)

Gene: TMEM43 (transmembrane protein 43; plus strand). Cytogenetic location: 3p25.1.
Variant type: single nucleotide variant.
Coding change: c.77T>C on transcript NM_024334.3 (MANE Select); coding-DNA position 77, T replaced by C.
Protein change: p.Leu26Pro; replaces leucine 26 with proline.
Molecular consequence: missense variant.
Genome position (GRCh38, 1-based): chr3:14,129,476, T>C. VCF-style: chr3-14129476-T-C. GRCh37 (hg19) VCF-style: chr3-14170976-T-C.
Other names: short protein forms L26P.
Identifiers: ClinVar variation 1397532 (VCV001397532.8), dbSNP rs2124985579, ClinGen allele CA351534290.

ClinVar aggregate classification (germline): Uncertain significance (1 of 4 stars; one submission).

Conditions:
Arrhythmogenic right ventricular dysplasia 5. Also called: ARRHYTHMOGENIC RIGHT VENTRICULAR DYSPLASIA, FAMILIAL, 5; Arrhythmogenic Right Ventricular Dysplasia/Cardiomyopathy 5. Identifiers: MedGen C1858379, MONDO:0011459, OMIM 604400.

Submission:

Labcorp Genetics (formerly Invitae), Labcorp
Classification: Uncertain significance for Arrhythmogenic right ventricular dysplasia 5. Last evaluated: 2021-07-21. Review status: criteria provided, single submitter. Criteria: Invitae Variant Classification Sherloc (09022015). Collection method: clinical testing. Allele origin: germline.
Comment: This variant has not been reported in the literature in individuals affected with TMEM43-related conditions. In summary, the available evidence is currently insufficient to determine the role of this variant in disease. Therefore, it has been classified as a Variant of Uncertain Significance. Algorithms developed to predict the effect of missense changes on protein structure and function are either unavailable or do not agree on the potential impact of this missense change (SIFT: "Tolerated"; PolyPhen-2: "Probably Damaging"; Align-GVGD: "Class C0"). This variant is not present in population databases (ExAC no frequency). This sequence change replaces leucine with proline at codon 26 of the TMEM43 protein (p.Leu26Pro). The leucine residue is moderately conserved and there is a moderate physicochemical difference between leucine and proline.